The following is an entry in ClinVar:

ClinVar aggregate classification (germline): Uncertain significance (1 of 4 stars; one submission).

Conditions:
Developmental and epileptic encephalopathy, 12 (DEE12). Identifiers: MedGen C3150988, MONDO:0013389, OMIM 613722.

Allele frequency attached by ClinVar (database versions not stated): ExAC 0.00001; gnomAD 0.00001; TOPMed 0.00001.
gnomAD v4.1: 3 of 1,610,136 alleles (0.00019%); highest among the groups gnomAD compares: Non-Finnish European, 0.00017%; no homozygotes.

Submission:

Labcorp Genetics (formerly Invitae), Labcorp
Classification: Uncertain significance for Developmental and epileptic encephalopathy, 12. Last evaluated: 2025-09-08. Review status: criteria provided, single submitter. Criteria: Invitae Variant Classification Sherloc (09022015). Collection method: clinical testing. Allele origin: germline.
Comment: This sequence change replaces glutamic acid, which is acidic and polar, with glycine, which is neutral and non-polar, at codon 836 of the PLCB1 protein (p.Glu836Gly). This variant is present in population databases (rs777743058, gnomAD 0.002%). This variant has not been reported in the literature in individuals affected with PLCB1-related conditions. ClinVar contains an entry for this variant (Variation ID: 1918482). Invitae Evidence Modeling of protein sequence and biophysical properties (such as structural, functional, and spatial information, amino acid conservation, physicochemical variation, residue mobility, and thermodynamic stability) indicates that this missense variant is not expected to disrupt PLCB1 protein function with a negative predictive value of 80%. In summary, the available evidence is currently insufficient to determine the role of this variant in disease. Therefore, it has been classified as a Variant of Uncertain Significance.

NM_015192.4(PLCB1):c.2507A>G (p.Glu836Gly)

Gene: PLCB1 (phospholipase C beta 1; plus strand). Cytogenetic location: 20p12.3.
Variant type: single nucleotide variant.
Coding change: c.2507A>G on transcript NM_015192.4 (MANE Select); coding-DNA position 2507, A replaced by G.
Protein change: p.Glu836Gly; replaces glutamic acid 836 with glycine.
Molecular consequence: missense variant.
Genome position (GRCh38, 1-based): chr20:8,741,557, A>G. VCF-style: chr20-8741557-A-G. GRCh37 (hg19) VCF-style: chr20-8722204-A-G.
Other names: c.2507A>G, p.Glu836Gly (NM_182734.3); short protein forms E836G.
Identifiers: ClinVar variation 1918482 (VCV001918482.3), dbSNP rs777743058, ClinGen allele CA9760241.